The following is an entry in ClinVar:

NM_000257.4(MYH7):c.4451T>C (p.Leu1484Pro)

Genes: MHRT (myosin heavy chain associated RNA transcript; plus strand), MYH7 (myosin heavy chain 7; minus strand). Cytogenetic location: 14q11.2.
Variant type: single nucleotide variant.
Coding change: c.4451T>C on transcript NM_000257.4 (MANE Select); coding-DNA position 4451, T replaced by C.
Protein change: p.Leu1484Pro; replaces leucine 1484 with proline.
Molecular consequence: missense variant. On other transcripts: non-coding transcript variant (1).
Genome position (GRCh38, 1-based): chr14:23,417,221, A>G on the plus strand (T>C on the coding strand, the complement: MYH7 is on the minus strand). VCF-style: chr14-23417221-A-G. GRCh37 (hg19) VCF-style: chr14-23886430-A-G.
Other names: short protein forms L1484P.
Identifiers: ClinVar variation 814004 (VCV000814004.6), dbSNP rs1595074765, ClinGen allele CA389038389.

ClinVar aggregate classification (germline): Uncertain significance. Review status: criteria provided, multiple submitters, no conflicts (2 of 4 stars). 3 submissions from 3 submitters: Uncertain significance (3). Last evaluated 2024-12-13.

Conditions:
MYH7-related skeletal myopathy. Also called: Myopathy, distal, 1; Laing early-onset distal myopathy; Laing distal myopathy; MYOPATHY, DISTAL, EARLY-ONSET, AUTOSOMAL DOMINANT; MYOPATHY, LATE DISTAL HEREDITARY. Identifiers: Orphanet 59135, MedGen C4552004, MONDO:0008050, OMIM 160500.
Hypertrophic cardiomyopathy. Also called: HYPERTROPHIC MYOCARDIOPATHY. Identifiers: Orphanet 217569, MedGen C0007194, MeSH D002312, MONDO:0005045, HP:0001639.

Submissions (3):

Revvity Omics, Revvity
Classification: Uncertain significance. Last evaluated: 2024-12-13. Review status: criteria provided, single submitter. Criteria: ACMG Guidelines, 2015. Collection method: clinical testing. Allele origin: germline.

Labcorp Genetics (formerly Invitae), Labcorp
Classification: Uncertain significance for Hypertrophic cardiomyopathy. Last evaluated: 2022-08-09. Review status: criteria provided, single submitter. Criteria: Invitae Variant Classification Sherloc (09022015). Collection method: clinical testing. Allele origin: germline.
Comment: Algorithms developed to predict the effect of missense changes on protein structure and function are either unavailable or do not agree on the potential impact of this missense change (SIFT: "Deleterious"; PolyPhen-2: "Probably Damaging"; Align-GVGD: "Class C0"). In summary, the available evidence is currently insufficient to determine the role of this variant in disease. Therefore, it has been classified as a Variant of Uncertain Significance. ClinVar contains an entry for this variant (Variation ID: 814004). This missense change has been observed in individual(s) with clinical features of MYH7-related conditions (PMID: 32528171). This variant is not present in population databases (gnomAD no frequency). This sequence change replaces leucine, which is neutral and non-polar, with proline, which is neutral and non-polar, at codon 1484 of the MYH7 protein (p.Leu1484Pro).

Broad Center for Mendelian Genomics, Broad Institute of MIT and Harvard
Classification: Uncertain significance for MYH7-related skeletal myopathy. Last evaluated: 2018-12-03. Review status: criteria provided, single submitter. Criteria: ACMG Guidelines, 2015. Collection method: research. Allele origin: germline. Inheritance: Autosomal dominant inheritance. Affected: yes.
Comment: The p.Leu1484Pro variant in MYH7 has not been previously reported in individuals with distal myopathy and was absent from large population studies. Computational prediction tools and conservation analyses suggest that this variant may impact the protein, though this information is not predictive enough to determine pathogenicity. In summary, the clinical significance of the p.Leu1484Pro variant is uncertain. ACMG/AMP Criteria applied: PM2, PP3 (Richards 2015).

Literature cited by the submitters: PubMed 32528171 (cited by Labcorp Genetics (formerly Invitae), Labcorp).